The following is an entry in ClinVar:

ClinVar aggregate classification (germline): Pathogenic. Review status: criteria provided, multiple submitters, no conflicts (2 of 4 stars). 8 submissions from 8 submitters: Pathogenic (7). 1 of the submissions does not count toward it. Last evaluated 2026-08-28.

Conditions:
PKD1-related disorder. Also called: PKD1-related condition.
Polycystic kidney disease, adult type (PKD1). Also called: Polycystic Kidney Disease 1, Autosomal Dominant; Polycystic kidney disease 1; Polycystic kidney disease 1, severe; Polycystic Kidney, Autosomal Dominant; POLYCYSTIC KIDNEY DISEASE 1 WITH OR WITHOUT POLYCYSTIC LIVER DISEASE; POLYCYSTIC KIDNEY DISEASE, ADULT, TYPE I. Identifiers: MedGen C3149841, MONDO:0008263, OMIM 173900.
Cystic renal disease.

gnomAD v4.1: 1 of 1,610,522 alleles (0.000062%); highest among the groups gnomAD compares: Non-Finnish European, 0.000085%; no homozygotes.

Submissions (8):

Genetics Laboratory, Great Ormond Street Hospital NHS Foundation Trust, North Thames Genomic Laboratory Hub
Classification: Pathogenic for Cystic renal disease. Last evaluated: 2026-08-28. Review status: criteria provided, single submitter. Criteria: ACGS Best Practice Guidelines for Variant Classification in Rare Disease 2024 v1.2. Collection method: clinical testing. Allele origin: germline. Affected: yes.
Comment: PS4_moderate, PM2_moderate, PVS1_very-strong, PP4_supporting

Victorian Clinical Genetics Services, Murdoch Childrens Research Institute
Classification: Pathogenic for Polycystic kidney disease, adult type. Last evaluated: 2026-05-07. Review status: criteria provided, single submitter. Criteria: ACMG Guidelines, 2015. Collection method: clinical testing. Allele origin: germline. Affected: yes.
Comment: This variant is classified as Pathogenic. Evidence in support of pathogenic classification: Variant is predicted to cause nonsense-mediated decay (NMD) and loss of protein (premature termination codon is located at least 54 nucleotides upstream of the final exon-exon junction); Variant is present in gnomAD <0.001 for a dominant condition (v4: 1 heterozygote(s), 0 homozygote(s)); This variant has strong previous evidence of pathogenicity in unrelated individuals. This variant has been classified as pathogenic by multiple clinical laboratories in ClinVar; Other NMD-predicted variant(s) comparable to the one identified in this case have very strong previous evidence for pathogenicity (DECIPHER). Additional information: This variant is heterozygous; This gene is associated with autosomal dominant disease. Polycystic kidney disease 1 (MIM#173900) is predominantly caused by monoallelic variants, with rare reports of biallelic variants causing disease (OMIM); Loss of function is a known mechanism of disease in this gene and is associated with polycystic kidney disease 1 (MIM#173900); Inheritance information for this variant is not currently available in this individual.

3billion
Classification: Pathogenic for Polycystic kidney disease, adult type. Last evaluated: 2025-08-26. Review status: criteria provided, single submitter. Criteria: ACMG Guidelines, 2015. Collection method: clinical testing. Allele origin: germline. Affected: yes.
Comment: The variant is observed at an extremely low frequency in the gnomAD v4.1.0 dataset (total allele frequency: <0.001%). Predicted Consequence/Location: Stop-gained (nonsense): predicted to result in a loss or disruption of normal protein function through nonsense-mediated decay (NMD) or protein truncation. Multiple pathogenic variants are reported downstream of the variant. The variant has been reported at least twice as pathogenic with clinical assertions and evidence for the classification (ClinVar ID: VCV000618317 /PMID: 25333066). Therefore, this variant is classified as Pathogenic according to the recommendation of ACMG/AMP guideline.

Fulgent Genetics
Classification: Pathogenic for Polycystic kidney disease, adult type. Last evaluated: 2024-02-25. Review status: criteria provided, single submitter. Criteria: ACMG Guidelines, 2015. Collection method: clinical testing. Allele origin: germline.

PreventionGenetics, part of Exact Sciences
Classification: Pathogenic for PKD1-related condition. Last evaluated: 2023-06-12. Review status: criteria provided, single submitter. Criteria: ACMG Guidelines, 2015. Collection method: clinical testing. Allele origin: germline.
Comment: The PKD1 c.6736C>T variant is predicted to result in premature protein termination (p.Gln2246*). This variant was reported in a patient with autosomal dominant polycystic kidney disease (Trujillano et al 2014. PubMed ID: 25333066) and found in a family with polycystic liver disease (reported as CT variant, see Figure 6, Jin et al 2015. PubMed ID: 25741140). This variant has not been reported in a large population database, indicating this variant is rare. This variant falls within a highly paralogous region. Allele frequency data should be interpreted with caution. Nonsense variants in PKD1 are expected to be pathogenic. This variant is interpreted as pathogenic.

ARUP Laboratories, Molecular Genetics and Genomics, ARUP Laboratories
Classification: Pathogenic. Last evaluated: 2018-06-21. Review status: criteria provided, single submitter. Criteria: ARUP Molecular Germline Variant Investigation Process. Collection method: clinical testing. Allele origin: germline.
Comment: The PKD1 c.6736C>T; p.Gln2246Ter variant has been described in individuals with autosomal dominant polycystic kidney disease (ADPKD; see link to Mayo ADPKD database, Trujillano 2014). It is absent from general population databases (1000 Genomes Project, Exome Variant Server, and Genome Aggregation Database), indicating it is not a common polymorphism. This variant induces an early termination codon and is predicted to result in a truncated protein or mRNA subject to nonsense-mediated decay. Additionally, truncating nonsense and frameshift variants in PKD1 are a common mechanism of disease, and several truncating variants downstream from codon 2246 have been described in individuals with ADPKD (Rossetti 2007, Trujillano 2014). Based on available information, this variant is considered pathogenic. References: Link to Mayo ADPKD database: Rossetti S et al. Comprehensive molecular diagnostics in autosomal dominant polycystic kidney disease. J Am Soc Nephrol. 2007 Jul;18(7):2143-60. Trujillano D et al. Diagnosis of autosomal dominant polycystic kidney disease using efficient PKD1 and PKD2 targeted next-generation sequencing. Mol Genet Genomic Med. 2014 Sep;2(5):412-21.

Juno Genomics, Hangzhou Juno Genomics, Inc
Classification: Pathogenic for Polycystic kidney disease, adult type. Review status: criteria provided, single submitter. Criteria: ACMG Guidelines, 2015. Collection method: clinical testing. Allele origin: germline. Affected: yes.
Comment: Null variant in a gene where loss of function (LOF) is a known mechanism of disease.;Absent from controls (or at extremely low frequency if recessive) in Genome Aggregation Database, Exome Sequencing Project, 1000 Genomes Project, or Exome Aggregation Consortium.;The prevalence of the variant in affected individuals is significantly increased compared to the prevalence in controls.;Patient's phenotype or family history is highly specific for a disease with a single genetic etiology.

Bioscientia Institut fuer Medizinische Diagnostik GmbH, Sonic Healthcare
Classification: Pathogenic for Polycystic kidney disease, adult type. Last evaluated: 2019-11-26. Review status: no assertion criteria provided. Collection method: clinical testing. Allele origin: germline. Affected: yes. Not counted in ClinVar's aggregate classification.

Literature cited by the submitters: PubMed 25333066 (cited by 3billion).

NM_001009944.3(PKD1):c.6736C>T (p.Gln2246Ter)

Gene: PKD1 (polycystin 1, transient receptor potential channel interacting; minus strand). Cytogenetic location: 16p13.3.
Variant type: single nucleotide variant.
Coding change: c.6736C>T on transcript NM_001009944.3 (MANE Select); coding-DNA position 6736, C replaced by T.
Protein change: p.Gln2246Ter; replaces glutamine 2246 with a stop codon.
Molecular consequence: nonsense.
Genome position (GRCh38, 1-based): chr16:2,108,431, G>A on the plus strand (C>T on the coding strand, the complement: PKD1 is on the minus strand). VCF-style: chr16-2108431-G-A. GRCh37 (hg19) VCF-style: chr16-2158432-G-A.
Other names: c.6736C>T, p.Gln2246Ter (NM_000296.4); short protein forms Q2246*.
Identifiers: ClinVar variation 618317 (VCV000618317.17), dbSNP rs1567191534, ClinGen allele CA394372988.